The following is an entry in ClinVar:

NM_001382289.1(FSHB):c.*635A>G

Genes: ARL14EP-DT (ARL14EP divergent transcript; minus strand), FSHB (follicle stimulating hormone subunit beta; plus strand). Cytogenetic location: 11p14.1.
Variant type: single nucleotide variant.
Coding change: c.*635A>G on transcript NM_001382289.1 (MANE Select); 635 bases downstream of the stop codon, A replaced by G.
Molecular consequence: 3 prime UTR variant.
Genome position (GRCh38, 1-based): chr11:30,234,435, A>G. VCF-style: chr11-30234435-A-G. GRCh37 (hg19) VCF-style: chr11-30255982-A-G.
Other names: c.*635A>G (NM_000510.4, NM_001018080.3).
Identifiers: ClinVar variation 304283 (VCV000304283.6), dbSNP rs676349, ClinGen allele CA10634520.
Genomic context (GRCh38, chr11:30,234,435, plus strand): 5'-TTAGTGGCATCAGTTCCACCTCGCCTTTTCTCCAGCACATGGAGTATTGAGACATGATGT[A>G]TCTTTCTGAATTGTTTGGTACAGATGGGGAGTAACAGAGCTCAAGATTTCCAAGCTATTA-3'

ClinVar aggregate classification (germline): Benign. Review status: criteria provided, multiple submitters, no conflicts (2 of 4 stars). 2 submissions from 2 submitters: Benign (2). Last evaluated 2018-01-13.

Conditions:
Hypogonadotropic hypogonadism 24 without anosmia (HH24). Also called: HYPOGONADOTROPIC HYPOGONADISM 24 WITH OR WITHOUT ANOSMIA; Follicle-stimulating hormone deficiency, isolated. Identifiers: Orphanet 52901, MedGen C5574957, MONDO:0009239, OMIM 229070.

Allele frequency attached by ClinVar (database versions not stated): gnomAD 0.49184 and 0.48660; gnomAD exomes 0.40900; TOPMed 0.49371; 1000 Genomes Project 30x 0.55543; 1000 Genomes Project 0.55731.

Submissions (2):

Illumina Laboratory Services, Illumina
Classification: Benign for Hypogonadotropic hypogonadism 24 without anosmia. Last evaluated: 2018-01-13. Review status: criteria provided, single submitter. Criteria: ICSL Variant Classification Criteria 13 December 2019. Collection method: clinical testing. Allele origin: germline.
Comment: This variant was observed in the ICSL laboratory as part of a predisposition screen in an ostensibly healthy population. It had not been previously curated by ICSL or reported in the Human Gene Mutation Database (HGMD: prior to June 1st, 2018), and was therefore a candidate for classification through an automated scoring system. Utilizing variant allele frequency, disease prevalence and penetrance estimates, and inheritance mode, an automated score was calculated to assess if this variant is too frequent to cause the disease. Based on the score and internal cut-off values, a variant classified as benign is not then subjected to further curation. The score for this variant resulted in a classification of benign for this disease.

Breakthrough Genomics
Classification: Benign. Review status: criteria provided, single submitter. Criteria: ACMG Guidelines, 2015. Collection method: not provided. Allele origin: germline. Inheritance: Autosomal recessive inheritance. Affected: yes.